The following is an entry in ClinVar:

ClinVar aggregate classification (germline): Pathogenic/Likely pathogenic. Review status: criteria provided, multiple submitters, no conflicts (2 of 4 stars). 3 submissions from 3 submitters: Pathogenic (2); Likely pathogenic (1). Last evaluated 2025-02-18.

Conditions:
Familial cancer of breast. Also called: Hereditary breast cancer; hereditary breast carcinoma; BREAST CANCER, FAMILIAL. Identifiers: Orphanet 227535, MedGen C0346153, MONDO:0016419, OMIM 114480. Disease mechanism: loss of function.
Hereditary cancer-predisposing syndrome. Also called: Hereditary neoplastic syndrome; Neoplastic Syndromes, Hereditary; Tumor predisposition; Hereditary Cancer Syndrome. Identifiers: Orphanet 140162, MedGen C0027672, MeSH D009386, MONDO:0015356.

Submissions (3):

Myriad Genetics, Inc.
Classification: Pathogenic for Familial cancer of breast. Last evaluated: 2025-02-18. Review status: criteria provided, single submitter. Criteria: Myriad Autosomal Dominant, Autosomal Recessive and X-Linked Classification Criteria (2023). Collection method: clinical testing. Allele origin: unknown.
Comment: This variant is considered pathogenic. This variant creates a termination codon and is predicted to result in premature protein truncation.

Baylor Genetics
Classification: Likely pathogenic for Familial cancer of breast. Last evaluated: 2023-09-09. Review status: criteria provided, single submitter. Criteria: ACMG Guidelines, 2015. Collection method: clinical testing. Allele origin: unknown.

Ambry Genetics
Classification: Pathogenic for Hereditary cancer-predisposing syndrome. Last evaluated: 2023-06-28. Review status: criteria provided, single submitter. Criteria: Ambry Variant Classification Scheme 2023. Collection method: clinical testing. Allele origin: germline.
Comment: The p.S2058* pathogenic mutation (also known as c.6173C>G), located in coding exon 41 of the ATM gene, results from a C to G substitution at nucleotide position 6173. This changes the amino acid from a serine to a stop codon within coding exon 41. This alteration is expected to result in loss of function by premature protein truncation or nonsense-mediated mRNA decay. As such, this alteration is interpreted as a disease-causing mutation.

NM_000051.4(ATM):c.6173C>G (p.Ser2058Ter)

Genes: ATM (ATM serine/threonine kinase; plus strand), C11orf65 (chromosome 11 open reading frame 65; minus strand). Cytogenetic location: 11q22.3.
Variant type: single nucleotide variant.
Coding change: c.6173C>G on transcript NM_000051.4 (MANE Select); coding-DNA position 6173, C replaced by G.
Protein change: p.Ser2058Ter; replaces serine 2058 with a stop codon.
Molecular consequence: nonsense. On other transcripts: intron variant (2).
Genome position (GRCh38, 1-based): chr11:108,316,088, C>G. VCF-style: chr11-108316088-C-G. GRCh37 (hg19) VCF-style: chr11-108186815-C-G.
Other names: c.6173C>G, p.Ser2058Ter (NM_001351834.2); c.641-7017G>C (NM_001330368.2); c.*39-7017G>C (NM_001351110.2); short protein forms S2058*.
Identifiers: ClinVar variation 1752015 (VCV001752015.4), dbSNP rs1555113821, ClinGen allele CA382550693.